The following is an entry in ClinVar:

NM_001378974.1(FBXW11):c.1156G>A (p.Ala386Thr)

Gene: FBXW11 (F-box and WD repeat domain containing 11; minus strand). Cytogenetic location: 5q35.1.
Variant type: single nucleotide variant.
Coding change: c.1156G>A on transcript NM_001378974.1 (MANE Select); coding-DNA position 1156, G replaced by A.
Protein change: p.Ala386Thr; replaces alanine 386 with threonine.
Molecular consequence: missense variant.
Genome position (GRCh38, 1-based): chr5:171,876,350, C>T on the plus strand (G>A on the coding strand, the complement: FBXW11 is on the minus strand). VCF-style: chr5-171876350-C-T. GRCh37 (hg19) VCF-style: chr5-171303354-C-T.
Other names: c.1087G>A, p.Ala363Thr (NM_001378975.1); c.1060G>A, p.Ala354Thr (NM_001378976.1); c.997G>A, p.Ala333Thr (NM_001378977.1, NM_001378978.1, NM_001378979.1); c.991G>A, p.Ala331Thr (NM_001378980.1, NM_033645.3); c.1093G>A, p.Ala365Thr (NM_012300.3); c.1054G>A, p.Ala352Thr (NM_033644.3); c.1093G>A (NM_012300.2); short protein forms A331T, A333T, A352T, A354T, A363T, A365T, A386T.
Identifiers: ClinVar variation 1064509 (VCV001064509.2), dbSNP rs2113777419, ClinGen allele CA362213564.
Genomic context (GRCh38, chr5:171,876,350, plus strand): 5'-TGGTCCTGTCACCAGAGGCAGACACGATGTACTTGTCGTCAAAGTCTACTACATTGACGG[C>T]AGCCCGGTGGCCAACCAGGACACGGCGTAAAGTGATGTCGGTCGCAGAAGCCATGTCCCA-3'
Protein context (NP_001365903.1, residues 376-396): LRRVLVGHRA[Ala386Thr]VNVVDFDDKY

ClinVar aggregate classification (germline): Pathogenic/Likely pathogenic. Review status: criteria provided, multiple submitters, no conflicts (2 of 4 stars). 2 submissions from 2 submitters: Pathogenic (1); Likely pathogenic (1). Last evaluated 2022-11-25.

Conditions:
Neurodevelopmental, jaw, eye, and digital syndrome (NEDJED). Identifiers: MedGen C5394477, MONDO:0030057, OMIM 618914.

Submissions (2):

GeneDx
Classification: Pathogenic. Last evaluated: 2022-11-25. Review status: criteria provided, single submitter. Criteria: GeneDx Variant Classification Process June 2021. Collection method: clinical testing. Allele origin: germline. Affected: yes.
Comment: Not observed at significant frequency in large population cohorts (gnomAD); In silico analysis supports that this missense variant has a deleterious effect on protein structure/function; This variant is associated with the following publications: (PMID: 31402090)

SIB Swiss Institute of Bioinformatics
Classification: Likely pathogenic for Neurodevelopmental, jaw, eye, and digital syndrome. Last evaluated: 2021-04-13. Review status: criteria provided, single submitter. Criteria: ACMG Guidelines, 2015. Collection method: curation. Allele origin: unknown.
Comment: This variant is interpreted as likely pathogenic for Neurodevelopmental, jaw, eye, and digital syndrome, autosomal dominant. The following ACMG Tag(s) were applied: Absent from controls (or at extremely low frequency if recessive) in Exome Sequencing Project, 1000 Genomes Project, or Exome Aggregation Consortium (PM2); De novo (paternity and maternity confirmed) (PS2 downgraded to moderate); Multiple lines of computational evidence support a deleterious effect on the gene or gene product (PP3); Missense variant in a gene that has a low rate of benign missense variation and in which missense variants are a common mechanism of disease (PP2).

Literature cited by the submitters: PubMed 31402090 (cited by SIB Swiss Institute of Bioinformatics).